The following is an entry in ClinVar:

NM_005120.3(MED12):c.2501A>G (p.Gln834Arg)

Gene: MED12 (mediator complex subunit 12; plus strand). Cytogenetic location: Xq13.1.
Variant type: single nucleotide variant.
Coding change: c.2501A>G on transcript NM_005120.3 (MANE Select); coding-DNA position 2501, A replaced by G.
Protein change: p.Gln834Arg; replaces glutamine 834 with arginine.
Molecular consequence: missense variant.
Genome position (GRCh38, 1-based): chrX:71,126,114, A>G. VCF-style: chrX-71126114-A-G. GRCh37 (hg19) VCF-style: chrX-70345964-A-G.
Other names: short protein forms Q834R.
Identifiers: ClinVar variation 3693101 (VCV003693101.2).

ClinVar aggregate classification (germline): Uncertain significance (1 of 4 stars; one submission).

Conditions:
FG syndrome (FGS). Identifiers: MedGen C0220769, MONDO:0002010.

Submission:

Labcorp Genetics (formerly Invitae), Labcorp
Classification: Uncertain significance for FG syndrome. Last evaluated: 2024-10-23. Review status: criteria provided, single submitter. Criteria: Invitae Variant Classification Sherloc (09022015). Collection method: clinical testing. Allele origin: germline.
Comment: This sequence change replaces glutamine, which is neutral and polar, with arginine, which is basic and polar, at codon 834 of the MED12 protein (p.Gln834Arg). This variant is not present in population databases (gnomAD no frequency). This variant has not been reported in the literature in individuals affected with MED12-related conditions. Invitae Evidence Modeling of protein sequence and biophysical properties (such as structural, functional, and spatial information, amino acid conservation, physicochemical variation, residue mobility, and thermodynamic stability) has been performed for this missense variant. However, the output from this modeling did not meet the statistical confidence thresholds required to predict the impact of this variant on MED12 protein function. In summary, the available evidence is currently insufficient to determine the role of this variant in disease. Therefore, it has been classified as a Variant of Uncertain Significance.